The following is an entry in ClinVar:

ClinVar aggregate classification (germline): Uncertain significance (1 of 4 stars; one submission).

Allele frequency attached by ClinVar (database versions not stated): TOPMed 0.00001.
gnomAD v4.1: 1 of 1,613,844 alleles (0.000062%); highest among the groups gnomAD compares: East Asian, 0.0022%; no homozygotes.

Submission:

Ambry Genetics
Classification: Uncertain significance. Last evaluated: 2023-02-23. Review status: criteria provided, single submitter. Criteria: Ambry Variant Classification Scheme 2023. Collection method: clinical testing. Allele origin: germline.
Comment: The p.L475I variant (also known as c.1423C>A), located in coding exon 13 of the PRKDC gene, results from a C to A substitution at nucleotide position 1423. The leucine at codon 475 is replaced by isoleucine, an amino acid with highly similar properties. This amino acid position is conserved. In addition, this alteration is predicted to be tolerated by in silico analysis. Since supporting evidence is limited at this time, the clinical significance of this alteration remains unclear.

NM_006904.7(PRKDC):c.1423C>A (p.Leu475Ile)

Gene: PRKDC (protein kinase, DNA-activated, catalytic subunit; minus strand). Cytogenetic location: 8q11.21.
Variant type: single nucleotide variant.
Coding change: c.1423C>A on transcript NM_006904.7 (MANE Select); coding-DNA position 1423, C replaced by A.
Protein change: p.Leu475Ile; replaces leucine 475 with isoleucine.
Molecular consequence: missense variant.
Genome position (GRCh38, 1-based): chr8:47,935,756, G>T on the plus strand (C>A on the coding strand, the complement: PRKDC is on the minus strand). VCF-style: chr8-47935756-G-T. GRCh37 (hg19) VCF-style: chr8-48848316-G-T.
Other names: c.1423C>A, p.Leu475Ile (NM_001081640.2); short protein forms L475I.
Identifiers: ClinVar variation 2449890 (VCV002449890.2), dbSNP rs1417160722, ClinGen allele CA371165707.
Genomic context (GRCh38, chr8:47,935,756, plus strand): 5'-ATCATTACTCATAAATACAATAAATTGCAAACTTACCCACAGTACTAATGCAATTCCTGA[G>T]AACTGGCCCTTTTGCTGCCAAAGCTAGGAACACCTTCACTATGGCTCTGCAACACACCAG-3'
Protein context (NP_008835.5, residues 465-485): FLALAAKGPV[Leu475Ile]RNCISTVVHQ